The following is an entry in ClinVar:

ClinVar aggregate classification (germline): Likely benign (0 of 4 stars; one submission).

Conditions:
MYH13-related disorder. Also called: MYH13-related condition.

Allele frequency attached by ClinVar (database versions not stated): TOPMed 0.00003; gnomAD 0.00006.
gnomAD v4.1: 277 of 1,614,078 alleles (0.017%); highest among the groups gnomAD compares: South Asian, 0.28%; 1 homozygote.

Submission:

PreventionGenetics, part of Exact Sciences
Classification: Likely benign for MYH13-related condition. Last evaluated: 2023-01-12. Review status: no assertion criteria provided. Collection method: clinical testing. Allele origin: germline.
Comment: This variant is classified as likely benign based on ACMG/AMP sequence variant interpretation guidelines (Richards et al. 2015 PMID: 25741868, with internal and published modifications).

NM_003802.3(MYH13):c.595A>G (p.Ile199Val)

Gene: MYH13 (myosin heavy chain 13; minus strand). Cytogenetic location: 17p13.1.
Variant type: single nucleotide variant.
Coding change: c.595A>G on transcript NM_003802.3 (MANE Select); coding-DNA position 595, A replaced by G.
Protein change: p.Ile199Val; replaces isoleucine 199 with valine.
Molecular consequence: missense variant.
Genome position (GRCh38, 1-based): chr17:10,360,010, T>C on the plus strand (A>G on the coding strand, the complement: MYH13 is on the minus strand). VCF-style: chr17-10360010-T-C. GRCh37 (hg19) VCF-style: chr17-10263327-T-C.
Other names: short protein forms I199V.
Identifiers: ClinVar variation 3031317 (VCV003031317.2), dbSNP rs369031834, ClinGen allele CA8386706.
Genomic context (GRCh38, chr17:10,360,010, plus strand): 5'-GGCTGCTCACCTGCATTTTGCCTGGCTGTGTCTCCTTCTTCTTGTCCCCGGTAACTGCAA[T>C]TGTTGCAAAATACTGGATGACACGCTTGGTGTTCACAGTCTTCCCAGCCCCGGATTCTCC-3'
Protein context (NP_003793.2, residues 189-209): TKRVIQYFAT[Ile199Val]AVTGDKKKET